The following is an entry in ClinVar:

ClinVar aggregate classification (germline): Likely pathogenic (1 of 4 stars; one submission).

Conditions:
Familial cancer of breast. Also called: Hereditary breast cancer; hereditary breast carcinoma; BREAST CANCER, FAMILIAL. Identifiers: Orphanet 227535, MedGen C0346153, MONDO:0016419, OMIM 114480. Disease mechanism: loss of function.

gnomAD v4.1: 3 of 1,614,202 alleles (0.00019%); highest among the groups gnomAD compares: Non-Finnish European, 0.00017%; no homozygotes.

Submission:

Labcorp Genetics (formerly Invitae), Labcorp
Classification: Likely pathogenic for Familial cancer of breast. Last evaluated: 2024-09-18. Review status: criteria provided, single submitter. Criteria: Invitae Variant Classification Sherloc (09022015). Collection method: clinical testing. Allele origin: germline.
Comment: This sequence change creates a premature translational stop signal (p.Tyr739*) in the BARD1 gene. While this is not anticipated to result in nonsense mediated decay, it is expected to disrupt the last 39 amino acid(s) of the BARD1 protein. This variant is not present in population databases (gnomAD no frequency). This variant has not been reported in the literature in individuals affected with BARD1-related conditions. This variant disrupts the C-terminal BRCT domain of BARD1 protein, which is required for chromosome stability and homology-directed repair (PMID: 17848578). A different variant (p.Val767fs) that lies downstream of this variant has been reported to affect BARD1 protein function (PMID: 30925164), this suggests that disruption of this region of the protein is causative of disease. In summary, the currently available evidence indicates that the variant is pathogenic, but additional data are needed to prove that conclusively. Therefore, this variant has been classified as Likely Pathogenic.

Literature cited by the submitters: PubMed 17848578; PubMed 30925164.

NM_000465.4(BARD1):c.2217T>G (p.Tyr739Ter)

Gene: BARD1 (BRCA1 associated RING domain 1; minus strand). Cytogenetic location: 2q35.
Variant type: single nucleotide variant.
Coding change: c.2217T>G on transcript NM_000465.4 (MANE Select); coding-DNA position 2217, T replaced by G.
Protein change: p.Tyr739Ter; replaces tyrosine 739 with a stop codon.
Molecular consequence: nonsense. On other transcripts: non-coding transcript variant (3).
Genome position (GRCh38, 1-based): chr2:214,728,793, A>C on the plus strand (T>G on the coding strand, the complement: BARD1 is on the minus strand). VCF-style: chr2-214728793-A-C. GRCh37 (hg19) VCF-style: chr2-215593517-A-C.
Other names: c.2160T>G, p.Tyr720Ter (NM_001282543.2); c.864T>G, p.Tyr288Ter (NM_001282545.2); c.807T>G, p.Tyr269Ter (NM_001282548.2); c.678T>G, p.Tyr226Ter (NM_001282549.2); short protein forms Y226*, Y288*, Y720*, Y269*, Y739*.
Identifiers: ClinVar variation 3662802 (VCV003662802.2).